The following is an entry in ClinVar:

Conditions:
Breast-ovarian cancer, familial, susceptibility to, 1 (BROVCA1). Also called: BRCA1 Hereditary Breast and Ovarian Cancer; OVARIAN CANCER, SUSCEPTIBILITY TO. Identifiers: Orphanet 145, MedGen C2676676, MONDO:0011450, OMIM 604370. Disease mechanism: loss of function.

Submission:

Brotman Baty Institute, University of Washington
No classification provided (evidence only). Condition: Breast-ovarian cancer, familial 1. Review status: no classification provided. Collection method: in vitro. Allele origin: not applicable. Functional consequence: functionally_normal.
ClinVar note: "not provided" was previously submitted as the classification for the variant. However, the classification appeared to be based only on an observation of functional data so it was converted to no classification on 2025-07-30.

NM_007294.4(BRCA1):c.5397C>G (p.Thr1799=)

Gene: BRCA1 (BRCA1 DNA repair associated; minus strand). Cytogenetic location: 17q21.31.
Variant type: single nucleotide variant.
Coding change: c.5397C>G on transcript NM_007294.4 (MANE Select); coding-DNA position 5397, C replaced by G.
Protein change: p.Thr1799=; no amino-acid change (threonine 1799 retained).
Molecular consequence: synonymous variant. On other transcripts: intron variant (19).
Genome position (GRCh38, 1-based): chr17:43,049,130, G>C on the plus strand (C>G on the coding strand, the complement: BRCA1 is on the minus strand). VCF-style: chr17-43049130-G-C. GRCh37 (hg19) VCF-style: chr17-41201147-G-C.
Other names: c.5184C>G, p.Thr1728= (NM_001407571.1, NM_001407894.1, NM_001407895.1 and 12 more transcripts); c.5463C>G, p.Thr1821= (NM_001407581.1, NM_001407582.1); c.5460C>G, p.Thr1820= (NM_001407583.1, NM_001407585.1, NM_001407587.1 and 1 more transcripts); c.5457C>G, p.Thr1819= (NM_001407590.1, NM_001407591.1); c.5397C>G, p.Thr1799= (NM_001407593.1, NM_001407594.1, NM_001407596.1 and 5 more transcripts); c.5394C>G, p.Thr1798= (NM_001407610.1, NM_001407611.1, NM_001407612.1 and 14 more transcripts); c.5391C>G, p.Thr1797= (NM_001407627.1, NM_001407628.1, NM_001407629.1 and 13 more transcripts); c.5388C>G, p.Thr1796= (NM_001407644.1, NM_001407645.1); and 84 more.
Identifiers: ClinVar variation 868418 (VCV000868418.3), dbSNP rs1131692096, ClinGen allele CA500143281.
Genomic context (GRCh38, chr17:43,049,130, plus strand): 5'-ACAGGAGAGAATATTGTGTCCTCCCTCTCTGACAGGGCACCCAATACTTACTGTGCCAAG[G>C]GTGAATGATGAAAGCTCCTTCACCACAGAAGCACCACACAGCTGTACCATCCATTCCAGT-3'
Protein context (NP_009225.1, residues 1789-1809): ASVVKELSSF[Thr1799=]LGTGVHPIVV